The following is an entry in ClinVar:

ClinVar aggregate classification (germline): Likely benign (1 of 4 stars; one submission).

Allele frequency attached by ClinVar (database versions not stated): gnomAD exomes 0.00005; 1000 Genomes Project 30x 0.00016; ESP Exome Variant Server 0.00016; gnomAD 0.00019; 1000 Genomes Project 0.00020; ExAC 0.00028; TOPMed 0.00032.
gnomAD v4.1: 107 of 1,579,424 alleles (0.0068%); highest among the groups gnomAD compares: African/African-American, 0.066%; no homozygotes.

Submission:

CeGaT Center for Human Genetics Tuebingen
Classification: Likely benign. Last evaluated: 2023-11-01. Review status: criteria provided, single submitter. Criteria: CeGaT Center For Human Genetics Tuebingen Variant Classification Criteria Version 2. Collection method: clinical testing. Allele origin: germline. Affected: yes. Observed: 1 variant allele.
Comment: INTS1: BP4, BP7

NM_001080453.3(INTS1):c.5259C>T (p.Ala1753=)

Gene: INTS1 (integrator complex subunit 1; minus strand). Cytogenetic location: 7p22.3.
Variant type: single nucleotide variant.
Coding change: c.5259C>T on transcript NM_001080453.3 (MANE Select); coding-DNA position 5259, C replaced by T.
Protein change: p.Ala1753=; no amino-acid change (alanine 1753 retained).
Molecular consequence: synonymous variant.
Genome position (GRCh38, 1-based): chr7:1,476,348, G>A on the plus strand (C>T on the coding strand, the complement: INTS1 is on the minus strand). VCF-style: chr7-1476348-G-A. GRCh37 (hg19) VCF-style: chr7-1515984-G-A.
Other names: c.1776C>T, p.Ala592= (NM_015674.1).
Identifiers: ClinVar variation 2673094 (VCV002673094.23), dbSNP rs375794790, ClinGen allele CA4118469.
Genomic context (GRCh38, chr7:1,476,348, plus strand): 5'-ATCGTCCCCACAGCAGCAGCTGAGCAGCAGGGGCAGCCGGGCCTGGATGAGGCTGCAGGC[G>A]GCTGTGTCCCCGTCCTGGCTCCGCGTCTCCGCCTCGGCCAGGATCAGCTCCACCAGGCTG-3'
Protein context (NP_001073922.2, residues 1743-1763): AETRSQDGDT[Ala1753=]ACSLIQARLP